The following is an entry in ClinVar:

ClinVar aggregate classification (germline): Conflicting classifications of pathogenicity. Review status: criteria provided, conflicting classifications (1 of 4 stars). 6 submissions from 6 submitters: Likely pathogenic (1); Uncertain significance (4). 1 of the submissions does not count toward it. Last evaluated 2026-09-21.

Conditions:
Cardiovascular phenotype. Identifiers: MedGen CN230736.
Catecholaminergic polymorphic ventricular tachycardia (CVPT). Also called: Catecholamine-induced polymorphic ventricular tachycardia. Identifiers: Orphanet 3286, MedGen C5574922, MONDO:0017990.
Long QT syndrome (LQTS). Identifiers: MedGen C0023976, MeSH D008133, MONDO:0002442. Disease mechanism: loss of function. Inheritance: Various modes of inheritance.
Cardiomyopathy (CMYO). Also called: Cardiomyopathies. Identifiers: Orphanet 167848, MedGen C0878544, MONDO:0004994, HP:0001638. Inheritance: Various modes of inheritance.
Catecholaminergic polymorphic ventricular tachycardia 1. Also called: RYR2-Related Catecholaminergic Polymorphic Ventricular Tachycardia; VENTRICULAR TACHYCARDIA, CATECHOLAMINERGIC POLYMORPHIC, 1, WITH OR WITHOUT ATRIAL DYSFUNCTION AND/OR DILATED CARDIOMYOPATHY; VENTRICULAR TACHYCARDIA, STRESS-INDUCED POLYMORPHIC 1. Identifiers: Orphanet 3286, MedGen C1631597, MONDO:0011484, OMIM 604772.

Allele frequency attached by ClinVar (database versions not stated): gnomAD 0.00003; TOPMed 0.00004; gnomAD exomes 0.00002 and 0.00003.
gnomAD v4.1: 32 of 1,613,888 alleles (0.002%); highest among the groups gnomAD compares: Middle Eastern, 0.016%; no homozygotes.

Submissions (6):

Molecular Diagnostic Laboratory for Inherited Cardiovascular Disease, Montreal Heart Institute
Classification: Uncertain significance for Cardiovascular phenotype. Last evaluated: 2026-09-21. Review status: criteria provided, single submitter. Criteria: ACMG Guidelines, 2015. Collection method: clinical testing. Allele origin: germline. Affected: yes.
Comment: PS3_supp, PM6, PP2

Labcorp Genetics (formerly Invitae), Labcorp
Classification: Likely pathogenic for Catecholaminergic polymorphic ventricular tachycardia 1. Last evaluated: 2026-01-06. Review status: criteria provided, single submitter. Criteria: Invitae Variant Classification Sherloc (09022015). Collection method: clinical testing. Allele origin: germline.
Comment: This sequence change replaces arginine, which is basic and polar, with tryptophan, which is neutral and slightly polar, at codon 1760 of the RYR2 protein (p.Arg1760Trp). This variant is present in population databases (rs776550479, gnomAD 0.006%). This missense change has been observed in individual(s) with clinical features of RYR2-associated conditions and/or CPVT (PMID: 26132555, 35352813, 36082968). In at least one individual the variant was observed to be de novo. ClinVar contains an entry for this variant (Variation ID: 207950). Invitae Evidence Modeling of protein sequence and biophysical properties (such as structural, functional, and spatial information, amino acid conservation, physicochemical variation, residue mobility, and thermodynamic stability) indicates that this missense variant is not expected to disrupt RYR2 protein function with a negative predictive value of 95%. Experimental studies have shown that this missense change affects RYR2 function (PMID: 36082968). In summary, the currently available evidence indicates that the variant is pathogenic, but additional data are needed to prove that conclusively. Therefore, this variant has been classified as Likely Pathogenic.

All of Us Research Program, National Institutes of Health
Classification: Uncertain significance for Catecholaminergic polymorphic ventricular tachycardia. Last evaluated: 2024-05-14. Review status: criteria provided, single submitter. Criteria: ACMG Guidelines, 2015. Collection method: clinical testing. Allele origin: germline. Inheritance: Autosomal dominant inheritance. Observed: 8 variant alleles, 8 heterozygotes.
Comment: This missense variant replaces arginine with tryptophan at codon 1760 of the RYR2 protein. Computational prediction suggests that this variant may not impact protein structure and function (internally defined REVEL score threshold <= 0.5, PMID: 27666373). To our knowledge, functional studies have not been reported for this variant. This variant has not been reported in individuals affected with cardiovascular disorders in the literature. This variant has been identified in 8/280372 chromosomes in the general population by the Genome Aggregation Database (gnomAD). The available evidence is insufficient to determine the role of this variant in disease conclusively. Therefore, this variant is classified as a Variant of Uncertain Significance.

This study involves interpretation of variants in research participants for the purpose of population health screening. Participant phenotype was not available at the time of variant classification. Additional details can be found in publication PMID: 35346344, PMCID: PMC8962531

Color Diagnostics, LLC DBA Color Health
Classification: Uncertain significance for Cardiomyopathy. Last evaluated: 2024-05-06. Review status: criteria provided, single submitter. Criteria: ACMG Guidelines, 2015. Collection method: clinical testing. Allele origin: germline.
Comment: This missense variant replaces arginine with tryptophan at codon 1760 of the RYR2 protein. Computational prediction suggests that this variant may not impact protein structure and function (internally defined REVEL score threshold <= 0.5, PMID: 27666373). To our knowledge, functional studies have not been reported for this variant. This variant has been reported in an individual affected with long QT syndrome (PMID: 26132555). This variant has been identified in 8/280372 chromosomes in the general population by the Genome Aggregation Database (gnomAD). The available evidence is insufficient to determine the role of this variant in disease conclusively. Therefore, this variant is classified as a Variant of Uncertain Significance.

Ambry Genetics
Classification: Uncertain significance for Cardiovascular phenotype. Last evaluated: 2023-10-10. Review status: criteria provided, single submitter. Criteria: Ambry Variant Classification Scheme 2023. Collection method: clinical testing. Allele origin: germline.
Comment: The p.R1760W variant (also known as c.5278C>T), located in coding exon 37 of the RYR2 gene, results from a C to T substitution at nucleotide position 5278. The arginine at codon 1760 is replaced by tryptophan, an amino acid with dissimilar properties. This amino acid position is well conserved in available vertebrate species. In addition, the in silico prediction for this alteration is inconclusive. Since supporting evidence is limited at this time, the clinical significance of this alteration remains unclear.

Medical Research Institute, Tokyo Medical and Dental University
Classification: Uncertain significance for Long QT syndrome. Review status: no assertion criteria provided. Collection method: research. Allele origin: germline. Affected: yes. Not counted in ClinVar's aggregate classification.

Literature cited by the submitters: PubMed 26132555 (cited by 4 submitters); PubMed 35352813 (cited by Labcorp Genetics (formerly Invitae), Labcorp); PubMed 36082968 (cited by Labcorp Genetics (formerly Invitae), Labcorp and Ambry Genetics); PubMed 36138163 (cited by Ambry Genetics).

NM_001035.3(RYR2):c.5278C>T (p.Arg1760Trp)

Gene: RYR2 (ryanodine receptor 2; plus strand). Cytogenetic location: 1q43.
Variant type: single nucleotide variant.
Coding change: c.5278C>T on transcript NM_001035.3 (MANE Select); coding-DNA position 5278, C replaced by T.
Protein change: p.Arg1760Trp; replaces arginine 1760 with tryptophan.
Molecular consequence: missense variant.
Genome position (GRCh38, 1-based): chr1:237,614,406, C>T. VCF-style: chr1-237614406-C-T. GRCh37 (hg19) VCF-style: chr1-237777706-C-T.
Other names: c.5278C>T, p.Arg1760Trp (LRG_402t1); short protein forms R1760W.
Identifiers: ClinVar variation 207950 (VCV000207950.55), dbSNP rs776550479, ClinGen allele CA086863.
Genomic context (GRCh38, chr1:237,614,406, plus strand): 5'-CCTGATGAGAACAAAAAACACGGCCTTCCAGGGATCGGCCTCAGCACCTCCCTCAGGCCA[C>T]GGATGCAGTTTTCCTCCCCCAGTTTTGTAAGCATTAGTAATGAATGTTACCAGTACAGTC-3'
Protein context (NP_001026.2, residues 1750-1770): GIGLSTSLRP[Arg1760Trp]MQFSSPSFVS